The following is an entry in ClinVar:

NC_000012.12:g.(?_32792634)_(32796308_?)dup

Gene: PKP2 (plakophilin 2; minus strand). Cytogenetic location: 12p11.21.
Variant type: Duplication.
Identifiers: ClinVar variation 830476 (VCV000830476.1).

ClinVar aggregate classification (germline): Likely pathogenic (1 of 4 stars; one submission).

Conditions:
Arrhythmogenic right ventricular dysplasia 9 (ARVD9). Also called: ARRHYTHMOGENIC RIGHT VENTRICULAR DYSPLASIA, FAMILIAL, 9; Arrhythmogenic Right Ventricular Dysplasia/Cardiomyopathy 9. Identifiers: MedGen C1836906, MONDO:0012180, OMIM 609040.

Submission:

Labcorp Genetics (formerly Invitae), Labcorp
Classification: Likely pathogenic for Arrhythmogenic right ventricular cardiomyopathy, type 9. Last evaluated: 2019-12-11. Review status: criteria provided, single submitter. Criteria: Invitae Variant Classification Sherloc (09022015). Collection method: clinical testing. Allele origin: germline.
Comment: This variant results in a copy number gain of the genomic region encompassing exons 12-13 of the PKP2 gene. While the exact position of this variant cannot be determined from this data, sub-genic copy number gains are generally in tandem (PMID: 25640679) and may result in an absent or disrupted protein product. This variant has not been reported in the literature in individuals with PKP2-related conditions. Loss-of-function variants in PKP2 are known to be pathogenic (PMID: 15489853, 23911551). In summary, the currently available evidence indicates that the variant is pathogenic, but additional data are needed to prove that conclusively. Therefore, this variant has been classified as Likely Pathogenic.